The following is an entry in ClinVar:

ClinVar aggregate classification (germline): Uncertain significance. Review status: criteria provided, multiple submitters, no conflicts (2 of 4 stars). 3 submissions from 3 submitters: Uncertain significance (3). Last evaluated 2023-06-02.

Conditions:
Hypertrophic cardiomyopathy. Also called: HYPERTROPHIC MYOCARDIOPATHY. Identifiers: Orphanet 217569, MedGen C0007194, MeSH D002312, MONDO:0005045, HP:0001639.

Allele frequency attached by ClinVar (database versions not stated): gnomAD exomes below 0.00001 and 0.00001; ExAC 0.00001; gnomAD 0.00001.

Submissions (3):

Labcorp Genetics (formerly Invitae), Labcorp
Classification: Uncertain significance for Hypertrophic cardiomyopathy. Last evaluated: 2023-06-02. Review status: criteria provided, single submitter. Criteria: Invitae Variant Classification Sherloc (09022015). Collection method: clinical testing. Allele origin: germline.
Comment: This variant is present in population databases (rs753992239, gnomAD 0.003%). This sequence change replaces proline, which is neutral and non-polar, with arginine, which is basic and polar, at codon 652 of the MYBPC3 protein (p.Pro652Arg). In summary, the available evidence is currently insufficient to determine the role of this variant in disease. Therefore, it has been classified as a Variant of Uncertain Significance. An algorithm developed to predict the effect of missense changes on protein structure and function (PolyPhen-2) suggests that this variant is likely to be disruptive. ClinVar contains an entry for this variant (Variation ID: 1058602). This variant has not been reported in the literature in individuals affected with MYBPC3-related conditions.

All of Us Research Program, National Institutes of Health
Classification: Uncertain significance for Hypertrophic cardiomyopathy. Last evaluated: 2023-03-04. Review status: criteria provided, single submitter. Criteria: ACMG Guidelines, 2015. Collection method: clinical testing. Allele origin: germline. Inheritance: Autosomal dominant inheritance. Observed: 1 variant allele, 1 heterozygote.
Comment: This study involves interpretation of variants in research participants for the purpose of population health screening. Participant phenotype was not available at the time of variant classification. Additional details can be found in publication PMID: 35346344, PMCID: PMC8962531

Blueprint Genetics
Classification: Uncertain significance. Last evaluated: 2022-11-11. Review status: criteria provided, single submitter. Criteria: ACMG Guidelines, 2015. Collection method: clinical testing. Allele origin: germline.

NM_000256.3(MYBPC3):c.1955C>G (p.Pro652Arg)

Gene: MYBPC3 (myosin binding protein C3; minus strand). Cytogenetic location: 11p11.2.
Variant type: single nucleotide variant.
Coding change: c.1955C>G on transcript NM_000256.3 (MANE Select); coding-DNA position 1955, C replaced by G.
Protein change: p.Pro652Arg; replaces proline 652 with arginine.
Molecular consequence: missense variant.
Genome position (GRCh38, 1-based): chr11:47,339,763, G>C on the plus strand (C>G on the coding strand, the complement: MYBPC3 is on the minus strand). VCF-style: chr11-47339763-G-C. GRCh37 (hg19) VCF-style: chr11-47361314-G-C.
Other names: short protein forms P652R.
Identifiers: ClinVar variation 1058602 (VCV001058602.10), dbSNP rs753992239, ClinGen allele CA078449.
Genomic context (GRCh38, chr11:47,339,763, plus strand): 5'-GGGACGTCCAGACGTAGCTTATTTCCAGCTACAACCACAATGGTGTCTGGTATGCGGCCT[G>C]GGCAGTCCAGGTGGATCTTGGGAGGTTCTGCAGAAGACACAATGTAGTTCAGAGAAACGG-3'
Protein context (NP_000247.2, residues 642-662): QEPPKIHLDC[Pro652Arg]GRIPDTIVVV